The following is an entry in ClinVar:

NM_001813.3(CENPE):c.2814A>G (p.Gln938=)

Gene: CENPE (centromere protein E; minus strand). Cytogenetic location: 4q24.
Variant type: single nucleotide variant.
Coding change: c.2814A>G on transcript NM_001813.3 (MANE Select); coding-DNA position 2814, A replaced by G.
Protein change: p.Gln938=; no amino-acid change (glutamine 938 retained).
Molecular consequence: synonymous variant.
Genome position (GRCh38, 1-based): chr4:103,158,674, T>C on the plus strand (A>G on the coding strand, the complement: CENPE is on the minus strand). VCF-style: chr4-103158674-T-C. GRCh37 (hg19) VCF-style: chr4-104079831-T-C.
Other names: c.2739A>G, p.Gln913= (NM_001286734.2).
Identifiers: ClinVar variation 3257670 (VCV003257670.17).

ClinVar aggregate classification (germline): Likely benign (1 of 4 stars; one submission).

gnomAD v4.1: 32 of 1,611,632 alleles (0.002%); highest among the groups gnomAD compares: Non-Finnish European, 0.0026%; no homozygotes.

Submission:

CeGaT Center for Human Genetics Tuebingen
Classification: Likely benign. Last evaluated: 2024-07-01. Review status: criteria provided, single submitter. Criteria: CeGaT Center For Human Genetics Tuebingen Variant Classification Criteria Version 2. Collection method: clinical testing. Allele origin: germline. Affected: yes. Observed: 1 variant allele.
Comment: CENPE: BP4, BP7